The following is an entry in ClinVar:

NM_024334.3(TMEM43):c.258A>T (p.Gly86=)

Gene: TMEM43 (transmembrane protein 43; plus strand). Cytogenetic location: 3p25.1.
Variant type: single nucleotide variant.
Coding change: c.258A>T on transcript NM_024334.3 (MANE Select); coding-DNA position 258, A replaced by T.
Protein change: p.Gly86=; no amino-acid change (glycine 86 retained).
Molecular consequence: synonymous variant.
Genome position (GRCh38, 1-based): chr3:14,130,917, A>T. VCF-style: chr3-14130917-A-T. GRCh37 (hg19) VCF-style: chr3-14172417-A-T.
Other names: c.258A>T, p.Gly86= (NM_001407274.1, NM_001407275.1, NM_001407276.1 and 2 more transcripts); c.243A>T, p.Gly81= (NM_001407278.1); c.108A>T, p.Gly36= (NM_001407280.1).
Identifiers: ClinVar variation 3630290 (VCV003630290.2).

ClinVar aggregate classification (germline): Uncertain significance (1 of 4 stars; one submission).

Conditions:
Arrhythmogenic right ventricular dysplasia 5. Also called: Arrhythmogenic Right Ventricular Dysplasia/Cardiomyopathy 5; ARRHYTHMOGENIC RIGHT VENTRICULAR DYSPLASIA, FAMILIAL, 5. Identifiers: MedGen C1858379, MONDO:0011459, OMIM 604400.

Submission:

Labcorp Genetics (formerly Invitae), Labcorp
Classification: Uncertain significance for Arrhythmogenic right ventricular dysplasia 5. Last evaluated: 2024-05-10. Review status: criteria provided, single submitter. Criteria: Invitae Variant Classification Sherloc (09022015). Collection method: clinical testing. Allele origin: germline.
Comment: This sequence change affects codon 86 of the TMEM43 mRNA. It is a 'silent' change, meaning that it does not change the encoded amino acid sequence of the TMEM43 protein. This variant is not present in population databases (gnomAD no frequency). This variant has not been reported in the literature in individuals affected with TMEM43-related conditions. Algorithms developed to predict the effect of sequence changes on RNA splicing suggest that this variant may create or strengthen a splice site. In summary, the available evidence is currently insufficient to determine the role of this variant in disease. Therefore, it has been classified as a Variant of Uncertain Significance.